The following is an entry in ClinVar:

ClinVar aggregate classification (germline): Uncertain significance. Review status: criteria provided, multiple submitters, no conflicts (2 of 4 stars). 2 submissions from 2 submitters: Uncertain significance (2). Last evaluated 2026-01-19.

Conditions:
Inborn genetic diseases. Identifiers: MedGen C0950123, MeSH D030342.

Allele frequency attached by ClinVar (database versions not stated): TOPMed 0.00002.
gnomAD v4.1: 2 of 1,274,654 alleles (0.00016%); highest among the groups gnomAD compares: Admixed American, 0.0074%; no homozygotes.

Submissions (2):

Labcorp Genetics (formerly Invitae), Labcorp
Classification: Uncertain significance. Last evaluated: 2026-01-19. Review status: criteria provided, single submitter. Criteria: Invitae Variant Classification Sherloc (09022015). Collection method: clinical testing. Allele origin: germline.
Comment: This sequence change replaces glycine, which is neutral and non-polar, with serine, which is neutral and polar, at codon 8 of the COX20 protein (p.Gly8Ser). This variant is not present in population databases (gnomAD no frequency). This variant has not been reported in the literature in individuals affected with COX20-related conditions. ClinVar contains an entry for this variant (Variation ID: 1472963). An algorithm developed to predict the effect of missense changes on protein structure and function outputs the following: PolyPhen-2: "Benign". The serine amino acid residue is found in multiple mammalian species, which suggests that this missense change does not adversely affect protein function. In summary, the available evidence is currently insufficient to determine the role of this variant in disease. Therefore, it has been classified as a Variant of Uncertain Significance.

Ambry Genetics
Classification: Uncertain significance for Inborn genetic diseases. Last evaluated: 2025-04-02. Review status: criteria provided, single submitter. Criteria: Ambry Variant Classification Scheme 2023. Collection method: clinical testing. Allele origin: germline.

NM_198076.6(COX20):c.22G>A (p.Gly8Ser)

Genes: COX20 (cytochrome c oxidase assembly factor COX20; plus strand), LOC129932912 (ATAC-STARR-seq lymphoblastoid silent region 2019; plus strand). Cytogenetic location: 1q44.
Variant type: single nucleotide variant.
Coding change: c.22G>A on transcript NM_198076.6 (MANE Select); coding-DNA position 22, G replaced by A.
Protein change: p.Gly8Ser; replaces glycine 8 with serine.
Molecular consequence: missense variant. On other transcripts: non-coding transcript variant (3).
Genome position (GRCh38, 1-based): chr1:244,835,736, G>A. VCF-style: chr1-244835736-G-A. GRCh37 (hg19) VCF-style: chr1-244999038-G-A.
Other names: c.22G>A (NM_198076.4); c.22G>A, p.Gly8Ser (NM_001312871.1, NM_001312872.1, NM_001312873.1 and 1 more transcripts); short protein forms G8S.
Identifiers: ClinVar variation 1472963 (VCV001472963.6), dbSNP rs961642913, ClinGen allele CA41129596.